The following is an entry in ClinVar:

ClinVar aggregate classification (germline): Uncertain significance. Review status: criteria provided, multiple submitters, no conflicts (2 of 4 stars). 2 submissions from 2 submitters: Uncertain significance (2). Last evaluated 2024-08-13.

Conditions:
Inborn genetic diseases. Identifiers: MedGen C0950123, MeSH D030342.

Allele frequency attached by ClinVar (database versions not stated): gnomAD 0.00001; ExAC 0.00002.
gnomAD v4.1: 13 of 1,613,304 alleles (0.00081%); highest among the groups gnomAD compares: Middle Eastern, 0.016%; no homozygotes.

Submissions (2):

Labcorp Genetics (formerly Invitae), Labcorp
Classification: Uncertain significance. Last evaluated: 2024-08-13. Review status: criteria provided, single submitter. Criteria: Invitae Variant Classification Sherloc (09022015). Collection method: clinical testing. Allele origin: germline.
Comment: This sequence change replaces valine, which is neutral and non-polar, with methionine, which is neutral and non-polar, at codon 413 of the PUS1 protein (p.Val413Met). This variant is present in population databases (rs761914681, gnomAD 0.01%). This variant has not been reported in the literature in individuals affected with PUS1-related conditions. An algorithm developed to predict the effect of missense changes on protein structure and function (PolyPhen-2) suggests that this variant is likely to be disruptive. In summary, the available evidence is currently insufficient to determine the role of this variant in disease. Therefore, it has been classified as a Variant of Uncertain Significance.

Ambry Genetics
Classification: Uncertain significance for Inborn genetic diseases. Last evaluated: 2023-12-15. Review status: criteria provided, single submitter. Criteria: Ambry Variant Classification Scheme 2023. Collection method: clinical testing. Allele origin: germline.

NM_025215.6(PUS1):c.1237G>A (p.Val413Met)

Gene: PUS1 (pseudouridine synthase 1; plus strand). Cytogenetic location: 12q24.33.
Variant type: single nucleotide variant.
Coding change: c.1237G>A on transcript NM_025215.6 (MANE Select); coding-DNA position 1237, G replaced by A.
Protein change: p.Val413Met; replaces valine 413 with methionine.
Molecular consequence: missense variant.
Genome position (GRCh38, 1-based): chr12:131,943,539, G>A. VCF-style: chr12-131943539-G-A. GRCh37 (hg19) VCF-style: chr12-132428084-G-A.
Other names: c.1153G>A, p.Val385Met (NM_001002019.3, NM_001002020.3); short protein forms V385M, V413M.
Identifiers: ClinVar variation 3149827 (VCV003149827.3), dbSNP rs761914681, ClinGen allele CA6884380.
Genomic context (GRCh38, chr12:131,943,539, plus strand): 5'-CATCCAGGAGCAGTGGAGAGAGTGCTTGCCTCTTATTCTCCATGTGGTCTTCTTCTGCAG[G>A]TGCCCAGTCCCCTGGAAGGCAGTGAAGGGGACGGAGACACTGACTGAGGCGATGGGAGCT-3'
Protein context (NP_079491.2, residues 403-423): ALTAGGTGAK[Val413Met]PSPLEGSEGD